The following is an entry in ClinVar:

NM_001365951.3(KIF1B):c.1846G>A (p.Val616Ile)

Gene: KIF1B (kinesin family member 1B; plus strand). Cytogenetic location: 1p36.22.
Variant type: single nucleotide variant.
Coding change: c.1846G>A on transcript NM_001365951.3 (MANE Select); coding-DNA position 1846, G replaced by A.
Protein change: p.Val616Ile; replaces valine 616 with isoleucine.
Molecular consequence: missense variant.
Genome position (GRCh38, 1-based): chr1:10,296,650, G>A. VCF-style: chr1-10296650-G-A. GRCh37 (hg19) VCF-style: chr1-10356708-G-A.
Other names: c.1846G>A, p.Val616Ile (NM_001365952.1); c.1708G>A, p.Val570Ile (NM_001365953.1, NM_015074.3, NM_183416.4); short protein forms V570I, V616I.
Identifiers: ClinVar variation 2448006 (VCV002448006.2), dbSNP rs779060799, ClinGen allele CA581099.

ClinVar aggregate classification (germline): Uncertain significance (1 of 4 stars; one submission).

Allele frequency attached by ClinVar (database versions not stated): gnomAD exomes below 0.00001; ExAC 0.00001.
gnomAD v4.1: 2 of 1,613,936 alleles (0.00012%); highest among the groups gnomAD compares: Non-Finnish European, 0.00017%; no homozygotes.

Submission:

Ambry Genetics
Classification: Uncertain significance. Last evaluated: 2023-03-04. Review status: criteria provided, single submitter. Criteria: Ambry Variant Classification Scheme 2023. Collection method: clinical testing. Allele origin: germline.
Comment: The p.V570I variant (also known as c.1708G>A), located in coding exon 17 of the KIF1B gene, results from a G to A substitution at nucleotide position 1708. The valine at codon 570 is replaced by isoleucine, an amino acid with highly similar properties. This amino acid position is conserved. In addition, this alteration is predicted to be tolerated by in silico analysis. Since supporting evidence is limited at this time, the clinical significance of this alteration remains unclear.